The following is an entry in ClinVar:

ClinVar aggregate classification (germline): Uncertain significance (1 of 4 stars; one submission).

gnomAD v4.1: 4 of 1,614,182 alleles (0.00025%); highest among the groups gnomAD compares: Non-Finnish European, 0.00025%; no homozygotes.

Submission:

Labcorp Genetics (formerly Invitae), Labcorp
Classification: Uncertain significance. Last evaluated: 2023-07-12. Review status: criteria provided, single submitter. Criteria: Invitae Variant Classification Sherloc (09022015). Collection method: clinical testing. Allele origin: germline.
Comment: This variant is not present in population databases (gnomAD no frequency). In summary, the available evidence is currently insufficient to determine the role of this variant in disease. Therefore, it has been classified as a Variant of Uncertain Significance. Advanced modeling of protein sequence and biophysical properties (such as structural, functional, and spatial information, amino acid conservation, physicochemical variation, residue mobility, and thermodynamic stability) performed at Invitae indicates that this missense variant is not expected to disrupt FLNB protein function. This variant has not been reported in the literature in individuals affected with FLNB-related conditions. This sequence change replaces alanine, which is neutral and non-polar, with aspartic acid, which is acidic and polar, at codon 1836 of the FLNB protein (p.Ala1836Asp).

NM_001457.4(FLNB):c.5507C>A (p.Ala1836Asp)

Gene: FLNB (filamin B; plus strand). Cytogenetic location: 3p14.3.
Variant type: single nucleotide variant.
Coding change: c.5507C>A on transcript NM_001457.4 (MANE Select); coding-DNA position 5507, C replaced by A.
Protein change: p.Ala1836Asp; replaces alanine 1836 with aspartic acid.
Molecular consequence: missense variant.
Genome position (GRCh38, 1-based): chr3:58,146,002, C>A. VCF-style: chr3-58146002-C-A. GRCh37 (hg19) VCF-style: chr3-58131729-C-A.
Other names: c.5600C>A, p.Ala1867Asp (NM_001164317.2); c.5474C>A, p.Ala1825Asp (NM_001164318.2); c.5435C>A, p.Ala1812Asp (NM_001164319.2); short protein forms A1825D, A1836D, A1812D, A1867D.
Identifiers: ClinVar variation 3019189 (VCV003019189.3), dbSNP rs2471197216, ClinGen allele CA353354725.